The following is an entry in ClinVar:

NM_176824.3(BBS7):c.1036C>T (p.Arg346Trp)

Gene: BBS7 (Bardet-Biedl syndrome 7; minus strand). Cytogenetic location: 4q27.
Variant type: single nucleotide variant.
Coding change: c.1036C>T on transcript NM_176824.3 (MANE Select); coding-DNA position 1036, C replaced by T.
Protein change: p.Arg346Trp; replaces arginine 346 with tryptophan.
Molecular consequence: missense variant.
Genome position (GRCh38, 1-based): chr4:121,847,405, G>A on the plus strand (C>T on the coding strand, the complement: BBS7 is on the minus strand). VCF-style: chr4-121847405-G-A. GRCh37 (hg19) VCF-style: chr4-122768560-G-A.
Other names: c.1036C>T, p.Arg346Trp (NM_018190.4); short protein forms R346W.
Identifiers: ClinVar variation 967788 (VCV000967788.6), dbSNP rs533535422, ClinGen allele CA3064345.
Genomic context (GRCh38, chr4:121,847,405, plus strand): 5'-AGCAACAACCACACACTTCATGAGATTTTTAAAAAAGCAAATAAAAAACTCAAAGTTACC[G>A]TAAGGAAGAAATTTTATTCTGCATCTCCTGATTAATTTTTAGTTCTTCTCCTGGTCCACT-3'
Protein context (NP_789794.1, residues 336-356): QEMQNKISSL[Arg346Trp]NELEHLQYKV

ClinVar aggregate classification (germline): Uncertain significance. Review status: criteria provided, multiple submitters, no conflicts (2 of 4 stars). 3 submissions from 3 submitters: Uncertain significance (3). Last evaluated 2024-04-15.

Conditions:
Bardet-Biedl syndrome (BBS). Identifiers: Orphanet 110, MedGen C0752166, MONDO:0015229.
Inborn genetic diseases. Identifiers: MedGen C0950123, MeSH D030342.

Allele frequency attached by ClinVar (database versions not stated): gnomAD exomes 0.00002 and 0.00003; ExAC 0.00003; TOPMed 0.00004; gnomAD 0.00005; 1000 Genomes Project 30x 0.00016; 1000 Genomes Project 0.00020.
gnomAD v4.1: 36 of 1,604,978 alleles (0.0022%); highest among the groups gnomAD compares: Admixed American, 0.013%; no homozygotes.

Submissions (3):

Ambry Genetics
Classification: Uncertain significance for Inborn genetic diseases. Last evaluated: 2024-04-15. Review status: criteria provided, single submitter. Criteria: Ambry Variant Classification Scheme 2023. Collection method: clinical testing. Allele origin: germline.

Labcorp Genetics (formerly Invitae), Labcorp
Classification: Uncertain significance for Bardet-Biedl syndrome. Last evaluated: 2022-08-16. Review status: criteria provided, single submitter. Criteria: Invitae Variant Classification Sherloc (09022015). Collection method: clinical testing. Allele origin: germline.
Comment: This sequence change replaces arginine, which is basic and polar, with tryptophan, which is neutral and slightly polar, at codon 346 of the BBS7 protein (p.Arg346Trp). This variant is present in population databases (rs533535422, gnomAD 0.02%). This variant has not been reported in the literature in individuals affected with BBS7-related conditions. ClinVar contains an entry for this variant (Variation ID: 967788). Algorithms developed to predict the effect of missense changes on protein structure and function (SIFT, PolyPhen-2, Align-GVGD) all suggest that this variant is likely to be disruptive. Algorithms developed to predict the effect of sequence changes on RNA splicing suggest that this variant may disrupt the consensus splice site. In summary, the available evidence is currently insufficient to determine the role of this variant in disease. Therefore, it has been classified as a Variant of Uncertain Significance.

Blueprint Genetics
Classification: Uncertain significance. Last evaluated: 2021-04-23. Review status: criteria provided, single submitter. Criteria: ACMG Guidelines, 2015. Collection method: clinical testing. Allele origin: germline.